The following is an entry in ClinVar:

NM_001384474.1(LOXHD1):c.4426del (p.Thr1476fs)

Gene: LOXHD1 (lipoxygenase homology PLAT domains 1; minus strand). Cytogenetic location: 18q21.1.
Variant type: Deletion.
Coding change: c.4426del on transcript NM_001384474.1 (MANE Select); coding-DNA position 4426, one base deleted (A; older notation c.4426delA).
Protein change: p.Thr1476fs; shifts the reading frame from threonine 1476.
Molecular consequence: frameshift variant.
Genome position (GRCh38, 1-based): chr18:46,529,281, T deleted on the plus strand (A on the coding strand, the reverse complement: LOXHD1 is on the minus strand). VCF-style (leftmost placement, unchanged base first): chr18-46529280-GT-G. GRCh37 (hg19) VCF-style: chr18-44109243-GT-G.
Other names: c.1093del, p.Thr365fs (NM_001145472.3); c.805del, p.Thr269fs (NM_001308013.2); c.4426del, p.Thr1476fs (NM_144612.7); short protein forms T1476fs, T269fs, T365fs.
Identifiers: ClinVar variation 2862788 (VCV002862788.3), dbSNP rs2511638111, ClinGen allele CA2739268717.

ClinVar aggregate classification (germline): Pathogenic (1 of 4 stars; one submission).

Submission:

Labcorp Genetics (formerly Invitae), Labcorp
Classification: Pathogenic. Last evaluated: 2023-05-12. Review status: criteria provided, single submitter. Criteria: Invitae Variant Classification Sherloc (09022015). Collection method: clinical testing. Allele origin: germline.
Comment: This variant is not present in population databases (gnomAD no frequency). This sequence change creates a premature translational stop signal (p.Thr1476Argfs*46) in the LOXHD1 gene. It is expected to result in an absent or disrupted protein product. Loss-of-function variants in LOXHD1 are known to be pathogenic (PMID: 19732867, 21465660, 25792669). This variant has not been reported in the literature in individuals affected with LOXHD1-related conditions. For these reasons, this variant has been classified as Pathogenic.

Literature cited by the submitters: PubMed 19732867; PubMed 21465660; PubMed 25792669.